The following is an entry in ClinVar:

NM_025179.4(PLXNA2):c.2190G>A (p.Pro730=)

Gene: PLXNA2 (plexin A2; minus strand). Cytogenetic location: 1q32.2.
Variant type: single nucleotide variant.
Coding change: c.2190G>A on transcript NM_025179.4 (MANE Select); coding-DNA position 2190, G replaced by A.
Protein change: p.Pro730=; no amino-acid change (proline 730 retained).
Molecular consequence: synonymous variant.
Genome position (GRCh38, 1-based): chr1:208,084,488, C>T on the plus strand (G>A on the coding strand, the complement: PLXNA2 is on the minus strand). VCF-style: chr1-208084488-C-T. GRCh37 (hg19) VCF-style: chr1-208257833-C-T.
Identifiers: ClinVar variation 3350591 (VCV003350591.3).

ClinVar aggregate classification (germline): Likely benign. Review status: criteria provided, single submitter (1 of 4 stars). 2 submissions from 2 submitters: Likely benign (1). 1 of the submissions does not count toward it. Last evaluated 2025-12-24.

Conditions:
PLXNA2-related disorder. Also called: PLXNA2-related condition.

gnomAD v4.1: 39 of 1,614,260 alleles (0.0024%); highest among the groups gnomAD compares: African/African-American, 0.021%; no homozygotes.

Submissions (2):

Labcorp Genetics (formerly Invitae), Labcorp
Classification: Likely benign. Last evaluated: 2025-12-24. Review status: criteria provided, single submitter. Criteria: Invitae Variant Classification Sherloc (09022015). Collection method: clinical testing. Allele origin: germline.

PreventionGenetics, part of Exact Sciences
Classification: Likely benign for PLXNA2-related condition. Last evaluated: 2023-03-28. Review status: no assertion criteria provided. Collection method: clinical testing. Allele origin: germline. Not counted in ClinVar's aggregate classification.
Comment: This variant is classified as likely benign based on ACMG/AMP sequence variant interpretation guidelines (Richards et al. 2015 PMID: 25741868, with internal and published modifications).